The following is an entry in ClinVar:

NM_015338.6(ASXL1):c.1932_1933insC (p.Gly645fs)

Gene: ASXL1 (ASXL transcriptional regulator 1; plus strand). Cytogenetic location: 20q11.21.
Variant type: Insertion.
Coding change: c.1932_1933insC on transcript NM_015338.6 (MANE Select); coding-DNA positions 1932 to 1933, C inserted.
Protein change: p.Gly645fs; shifts the reading frame from glycine 645.
Molecular consequence: frameshift variant.
Genome position: GRCh38 VCF-style: chr20-32434644-G-GC. GRCh37 (hg19) VCF-style: chr20-31022447-G-GC.
Other names: c.1749_1750insC, p.Gly584fs (NM_001363734.1); short protein forms G584fs, G645fs.
Identifiers: ClinVar variation 5036684 (VCV005036684.1).
Genomic context (GRCh38, chr20:32,434,644, plus strand): 5'-CCGAGGGGCGAGAGGTCACCACTGCCATAGAGAGGCGGCCACCACTGCCATCGGAGGGGG[G>GC]GGTGGCCCGGGTGGAGGTGGCGGCGGGGCCACCGATGAGGGAGGTGGCAGAGGCAGCAGC-3'

ClinVar aggregate classification (germline): Likely pathogenic (1 of 4 stars; one submission).

Conditions:
Myeloproliferative neoplasm. Identifiers: Orphanet 98274, MedGen C1292778, MONDO:0020076.

Submission:

Dept of Medical Biology, Uskudar University
Classification: Likely pathogenic for Myeloproliferative neoplasm. Last evaluated: 2026-09-23. Review status: criteria provided, single submitter. Criteria: Dept of Medical Biology Variant Classification. Collection method: research. Allele origin: unknown. Affected: yes. Observed: 1 variant allele.
Comment: PVS1_strong: frameshift in the last exon (exon 13), predicted to escape nonsense-mediated decay but to truncate the protein upstream of the carboxy-terminal PHD domain (PMID:30192042). PM2_supporting: absent from gnomAD v4.1. PM1_supporting: located in the exon 13 region in which truncating ASXL1 mutations cluster in myeloid neoplasms (PMID:19609284). Classified as likely pathogenic under the ACMG/AMP 2015 guidelines (PMID:25741868). Detected in a retrospective series of 256 BCR::ABL1-negative and JAK2 V617F-negative patients referred for molecular investigation of a suspected myeloproliferative neoplasm (May 2007 to January 2015) and re-interpreted under the ACMG/AMP 2015 criteria.

Literature cited by the submitters: PubMed 19609284.